The following is an entry in ClinVar:

NM_183075.3(CYP2U1):c.899A>C (p.Lys300Thr)

Gene: CYP2U1 (cytochrome P450 family 2 subfamily U member 1; plus strand). Cytogenetic location: 4q25.
Variant type: single nucleotide variant.
Coding change: c.899A>C on transcript NM_183075.3 (MANE Select); coding-DNA position 899, A replaced by C.
Protein change: p.Lys300Thr; replaces lysine 300 with threonine.
Molecular consequence: missense variant.
Genome position (GRCh38, 1-based): chr4:107,945,378, A>C. VCF-style: chr4-107945378-A-C. GRCh37 (hg19) VCF-style: chr4-108866534-A-C.
Other names: short protein forms K300T.
Identifiers: ClinVar variation 1941602 (VCV001941602.5), dbSNP rs1733661714, ClinGen allele CA357837472.
Genomic context (GRCh38, chr4:107,945,378, plus strand): 5'-CCTTTGGACCATTTAAGGAATTAAGACAAATTGAAAAGGATATAACCAGTTTCCTTAAAA[A>C]AATCATCAAAGACCATCAAGAGTCTCTGGATAGAGAGAACCCTCAGGACTTCATAGACAT-3'
Protein context (NP_898898.1, residues 290-310): IEKDITSFLK[Lys300Thr]IIKDHQESLD

ClinVar aggregate classification (germline): Uncertain significance (1 of 4 stars; one submission).

Conditions:
Spastic paraplegia. Identifiers: MedGen C0037772, HP:0001258.

Allele frequency attached by ClinVar (database versions not stated): TOPMed below 0.00001.

Submission:

Labcorp Genetics (formerly Invitae), Labcorp
Classification: Uncertain significance for Spastic paraplegia. Last evaluated: 2024-10-25. Review status: criteria provided, single submitter. Criteria: Invitae Variant Classification Sherloc (09022015). Collection method: clinical testing. Allele origin: germline.
Comment: This sequence change replaces lysine, which is basic and polar, with threonine, which is neutral and polar, at codon 300 of the CYP2U1 protein (p.Lys300Thr). This variant is not present in population databases (gnomAD no frequency). This variant has not been reported in the literature in individuals affected with CYP2U1-related conditions. ClinVar contains an entry for this variant (Variation ID: 1941602). Invitae Evidence Modeling of protein sequence and biophysical properties (such as structural, functional, and spatial information, amino acid conservation, physicochemical variation, residue mobility, and thermodynamic stability) indicates that this missense variant is not expected to disrupt CYP2U1 protein function with a negative predictive value of 95%. In summary, the available evidence is currently insufficient to determine the role of this variant in disease. Therefore, it has been classified as a Variant of Uncertain Significance.